The following is an entry in ClinVar:

NM_000212.3(ITGB3):c.613_614+2del

Gene: ITGB3 (integrin subunit beta 3; plus strand). Cytogenetic location: 17q21.32.
Variant type: Deletion.
Coding change: c.613_614+2del on transcript NM_000212.3 (MANE Select); coding-DNA position 613 through the canonical splice donor site of the intron after coding-DNA position 614, 4 bases deleted (GAGT; older notation c.613_614+2delGAGT).
Molecular consequence: splice donor variant.
Genome position (GRCh38, 1-based): chr17:47,284,694-47,284,697, GAGT deleted; deleting any 4 consecutive bases within chr17:47,284,693-47,284,697 gives the same sequence; the c. name uses the placement nearest the transcript's 3' end. VCF-style (leftmost placement, unchanged base first): chr17-47284692-ATGAG-A. GRCh37 (hg19) VCF-style: chr17-45362058-ATGAG-A.
Other names: NM_000212.3:c.613_614+2del.
Identifiers: ClinVar variation 1330341 (VCV001330341.1), dbSNP rs2143093355, ClinGen allele CA915940309.

ClinVar aggregate classification (germline): Pathogenic (3 of 4 stars; one submission).

Conditions:
Glanzmann thrombasthenia. Also called: THROMBASTHENIA OF GLANZMANN AND NAEGELI; BLEEDING DISORDER, PLATELET-TYPE, 2; Thrombasthenia; PLATELET GLYCOPROTEIN IIb-IIIa DEFICIENCY; Glanzmann's thrombasthenia. Identifiers: Orphanet 849, MedGen C0040015, MONDO:0100326.

Submission:

ClinGen Platelet Disorders Variant Curation Expert Panel, ClinGen
Classification: Pathogenic for Glanzmann thrombasthenia. Last evaluated: 2021-09-03. Review status: reviewed by expert panel. Criteria: ClinGen Platelet ACMG Specifications v2. Collection method: curation. Allele origin: germline. Inheritance: Autosomal recessive inheritance.
Comment: The c.613_614+2del variant on ITGB3 gene is a splice donor variant located on intron4 which is predicted to result in skipping of exon 4. It is absent from all large population cohorts (gnomAD). This variant has been reported to occur in homozygous state in one proband who meets the PD-VCEP criteria for the GT phenotype (PMID: 25728920). This variant meets GT specific criteria for PVS1, PP4_Strong, PM2_supporting, and PM3_supporting and is therefore classified as Pathogenic.